The following is an entry in ClinVar:

ClinVar aggregate classification (germline): Likely benign. Review status: criteria provided, multiple submitters, no conflicts (2 of 4 stars). 3 submissions from 3 submitters: Likely benign (3). Last evaluated 2024-07-30.

Conditions:
Arrhythmogenic right ventricular dysplasia 8 (ARVD8). Also called: Arrhythmogenic Right Ventricular Dysplasia/Cardiomyopathy 8; ARRHYTHMOGENIC RIGHT VENTRICULAR DYSPLASIA, FAMILIAL, 8; ARRHYTHMOGENIC RIGHT VENTRICULAR CARDIOMYOPATHY 8. Identifiers: MedGen C1843896, MONDO:0011831, OMIM 607450.
Arrhythmogenic cardiomyopathy with wooly hair and keratoderma. Also called: PALMOPLANTAR KERATODERMA WITH LEFT VENTRICULAR CARDIOMYOPATHY AND WOOLLY HAIR; Carvajal syndrome; Dilated cardiomyopathy with woolly hair and keratoderma; Arrhythmogenic cardiomyopathy with woolly hair and keratoderma. Identifiers: Orphanet 65282, MedGen C1854063, MONDO:0011581, OMIM 605676.
Cardiomyopathy (CMYO). Also called: Cardiomyopathies. Identifiers: Orphanet 167848, MedGen C0878544, MONDO:0004994, HP:0001638. Inheritance: Various modes of inheritance.

Allele frequency attached by ClinVar (database versions not stated): gnomAD exomes below 0.00001; TOPMed 0.00001.

Submissions (3):

Labcorp Genetics (formerly Invitae), Labcorp
Classification: Likely benign for Arrhythmogenic cardiomyopathy with wooly hair and keratoderma; Arrhythmogenic right ventricular dysplasia 8. Last evaluated: 2024-07-30. Review status: criteria provided, single submitter. Criteria: Invitae Variant Classification Sherloc (09022015). Collection method: clinical testing. Allele origin: germline.

All of Us Research Program, National Institutes of Health
Classification: Likely benign for Arrhythmogenic cardiomyopathy with wooly hair and keratoderma. Last evaluated: 2024-04-16. Review status: criteria provided, single submitter. Criteria: ACMG Guidelines, 2015. Collection method: clinical testing. Allele origin: germline. Inheritance: Autosomal dominant inheritance. Observed: 1 variant allele, 1 heterozygote.
Comment: This study involves interpretation of variants in research participants for the purpose of population health screening. Participant phenotype was not available at the time of variant classification. Additional details can be found in publication PMID: 35346344, PMCID: PMC8962531

Color Diagnostics, LLC DBA Color Health
Classification: Likely benign for Cardiomyopathy. Last evaluated: 2020-02-09. Review status: criteria provided, single submitter. Criteria: ACMG Guidelines, 2015. Collection method: clinical testing. Allele origin: germline.

NM_004415.4(DSP):c.4213T>C (p.Leu1405=)

Gene: DSP (desmoplakin; plus strand). Cytogenetic location: 6p24.3.
Variant type: single nucleotide variant.
Coding change: c.4213T>C on transcript NM_004415.4 (MANE Select); coding-DNA position 4213, T replaced by C.
Protein change: p.Leu1405=; no amino-acid change (leucine 1405 retained).
Molecular consequence: synonymous variant. On other transcripts: intron variant (2).
Genome position (GRCh38, 1-based): chr6:7,580,403, T>C. VCF-style: chr6-7580403-T-C. GRCh37 (hg19) VCF-style: chr6-7580636-T-C.
Other names: c.4050+163T>C (NM_001319034.2); c.3582+631T>C (NM_001008844.3).
Identifiers: ClinVar variation 924570 (VCV000924570.8), dbSNP rs1451895767, ClinGen allele CA448714346.